The following is an entry in ClinVar:

ClinVar aggregate classification (germline): Uncertain significance (1 of 4 stars; one submission).

Conditions:
Inborn genetic diseases. Identifiers: MedGen C0950123, MeSH D030342.

Submission:

Ambry Genetics
Classification: Uncertain significance for Inborn genetic diseases. Last evaluated: 2021-12-11. Review status: criteria provided, single submitter. Criteria: Ambry Variant Classification Scheme 2023. Collection method: clinical testing. Allele origin: germline.
Comment: The p.K2278N variant (also known as c.6834G>T), located in coding exon 46 of the LRRK2 gene, results from a G to T substitution at nucleotide position 6834. The lysine at codon 2278 is replaced by asparagine, an amino acid with similar properties. This amino acid position is conserved. In addition, this alteration is predicted to be tolerated by in silico analysis. Since supporting evidence is limited at this time, the clinical significance of this alteration remains unclear.

NM_198578.4(LRRK2):c.6834G>T (p.Lys2278Asn)

Gene: LRRK2 (leucine rich repeat kinase 2; plus strand). Cytogenetic location: 12q12.
Variant type: single nucleotide variant.
Coding change: c.6834G>T on transcript NM_198578.4 (MANE Select); coding-DNA position 6834, G replaced by T.
Protein change: p.Lys2278Asn; replaces lysine 2278 with asparagine.
Molecular consequence: missense variant.
Genome position (GRCh38, 1-based): chr12:40,356,178, G>T. VCF-style: chr12-40356178-G-T. GRCh37 (hg19) VCF-style: chr12-40749980-G-T.
Other names: short protein forms K2278N.
Identifiers: ClinVar variation 1755701 (VCV001755701.2), dbSNP rs2500000607, ClinGen allele CA384410258.